The following is an entry in ClinVar:

NM_005094.4(SLC27A4):c.1511G>A (p.Arg504His)

Gene: SLC27A4 (solute carrier family 27 member 4; plus strand). Cytogenetic location: 9q34.11.
Variant type: single nucleotide variant.
Coding change: c.1511G>A on transcript NM_005094.4 (MANE Select); coding-DNA position 1511, G replaced by A.
Protein change: p.Arg504His; replaces arginine 504 with histidine.
Molecular consequence: missense variant.
Genome position (GRCh38, 1-based): chr9:128,355,446, G>A. VCF-style: chr9-128355446-G-A. GRCh37 (hg19) VCF-style: chr9-131117725-G-A.
Other names: short protein forms R504H.
Identifiers: ClinVar variation 2735355 (VCV002735355.6), dbSNP rs776594920, ClinGen allele CA5261333.

ClinVar aggregate classification (germline): Conflicting classifications of pathogenicity. Review status: criteria provided, conflicting classifications (1 of 4 stars). 2 submissions from 2 submitters: Pathogenic (1); Uncertain significance (1). Last evaluated 2025-06-24.

Allele frequency attached by ClinVar (database versions not stated): gnomAD exomes 0.00001; ExAC 0.00002.

Submissions (2):

Women's Health and Genetics/Laboratory Corporation of America, LabCorp
Classification: Uncertain significance. Last evaluated: 2025-06-24. Review status: criteria provided, single submitter. Criteria: LabCorp Variant Classification Summary - May 2015. Collection method: clinical testing. Allele origin: germline.
Comment: Variant summary: SLC27A4 c.1511G>A (p.Arg504His) results in a non-conservative amino acid change located in the N-terminal domain of ligase-like (IPR042099) of the encoded protein sequence. Algorithms developed to predict the effect of missense changes on protein structure and function all suggest that this variant is likely to be disruptive. The variant allele was found at a frequency of 8e-06 in 250640 control chromosomes. c.1511G>A has been observed in the compound heterozygous state in at least two siblings from the same family affected with Lamellar Ichthyosis, in which segregation was established (example: Sobol_2011). These data indicate that the variant may be associated with disease. To our knowledge, no experimental evidence demonstrating an impact on protein function has been reported. The following publications have been ascertained in the context of this evaluation (PMID: 21450060). ClinVar contains an entry for this variant (Variation ID: 2735355). Based on the evidence outlined above, the variant was classified as VUS-possibly pathogenic.

Labcorp Genetics (formerly Invitae), Labcorp
Classification: Pathogenic. Last evaluated: 2023-08-22. Review status: criteria provided, single submitter. Criteria: Invitae Variant Classification Sherloc (09022015). Collection method: clinical testing. Allele origin: germline.
Comment: This sequence change replaces arginine, which is basic and polar, with histidine, which is basic and polar, at codon 504 of the SLC27A4 protein (p.Arg504His). This variant is present in population databases (rs776594920, gnomAD 0.007%). This missense change has been observed in individual(s) with ichthyosis prematurity syndrome (PMID: 21450060). In at least one individual the data is consistent with being in trans (on the opposite chromosome) from a pathogenic variant. It has also been observed to segregate with disease in related individuals. Advanced modeling of protein sequence and biophysical properties (such as structural, functional, and spatial information, amino acid conservation, physicochemical variation, residue mobility, and thermodynamic stability) performed at Invitae indicates that this missense variant is expected to disrupt SLC27A4 protein function. This variant disrupts the p.Arg504 amino acid residue in SLC27A4. Other variant(s) that disrupt this residue have been determined to be pathogenic (PMID: 27168232, 30077338). This suggests that this residue is clinically significant, and that variants that disrupt this residue are likely to be disease-causing. For these reasons, this variant has been classified as Pathogenic.

Literature cited by the submitters: PubMed 23506886 (cited by Women's Health and Genetics/Laboratory Corporation of America, LabCorp); PubMed 21450060 (cited by Women's Health and Genetics/Laboratory Corporation of America, LabCorp and Labcorp Genetics (formerly Invitae), Labcorp); PubMed 27168232 (cited by Labcorp Genetics (formerly Invitae), Labcorp); PubMed 30077338 (cited by Labcorp Genetics (formerly Invitae), Labcorp).